The following is an entry in ClinVar:

ClinVar aggregate classification (germline): Pathogenic (1 of 4 stars; one submission).

Conditions:
Charcot-Marie-Tooth disease type 2. Also called: Charcot-Marie-Tooth type 2. Identifiers: Orphanet 64746, MedGen C0270914, MONDO:0018993.

Allele frequency attached by ClinVar (database versions not stated): gnomAD 0.00001.

Submission:

Labcorp Genetics (formerly Invitae), Labcorp
Classification: Pathogenic for Charcot-Marie-Tooth disease type 2. Last evaluated: 2024-07-16. Review status: criteria provided, single submitter. Criteria: Invitae Variant Classification Sherloc (09022015). Collection method: clinical testing. Allele origin: germline.
Comment: This sequence change creates a premature translational stop signal (p.Val91Trpfs*6) in the MFN2 gene. It is expected to result in an absent or disrupted protein product. Loss-of-function variants in MFN2 are known to be pathogenic (PMID: 16714318, 16835246, 21715711, 23781337, 26955893). This variant is not present in population databases (gnomAD no frequency). This variant has not been reported in the literature in individuals affected with MFN2-related conditions. For these reasons, this variant has been classified as Pathogenic.

Literature cited by the submitters: PubMed 16714318; PubMed 16835246; PubMed 21715711; PubMed 23781337; PubMed 26955893.

NM_014874.4(MFN2):c.271_274del (p.Val91fs)

Gene: MFN2 (mitofusin 2; plus strand). Cytogenetic location: 1p36.22.
Variant type: Deletion.
Coding change: c.271_274del on transcript NM_014874.4 (MANE Select); coding-DNA positions 271 to 274, 4 bases deleted (GTGC; older notation c.271_274delGTGC).
Protein change: p.Val91fs; shifts the reading frame from valine 91.
Molecular consequence: frameshift variant.
Genome position (GRCh38, 1-based): chr1:11,992,650-11,992,653, GTGC deleted. VCF-style (leftmost placement, unchanged base first): chr1-11992649-GGTGC-G. GRCh37 (hg19) VCF-style: chr1-12052706-GGTGC-G.
Other names: c.271_274del, p.Val91fs (NM_001127660.2); short protein forms V91fs.
Identifiers: ClinVar variation 2892058 (VCV002892058.3), dbSNP rs1638739623, ClinGen allele CA998647979.